The following is an entry in ClinVar:

ClinVar aggregate classification (germline): Conflicting classifications of pathogenicity. Review status: criteria provided, conflicting classifications (1 of 4 stars). 2 submissions from 2 submitters: Uncertain significance (1); Likely benign (1). Last evaluated 2025-12-01.

Conditions:
Cardiovascular phenotype. Identifiers: MedGen CN230736.

Allele frequency attached by ClinVar (database versions not stated): gnomAD 0.00002; gnomAD exomes 0.00002 and 0.00004; ExAC 0.00005; TOPMed 0.00006.
gnomAD v4.1: 31 of 1,613,862 alleles (0.0019%); highest among the groups gnomAD compares: East Asian, 0.033%; no homozygotes.

Submissions (2):

Labcorp Genetics (formerly Invitae), Labcorp
Classification: Uncertain significance. Last evaluated: 2025-12-01. Review status: criteria provided, single submitter. Criteria: Invitae Variant Classification Sherloc (09022015). Collection method: clinical testing. Allele origin: germline.
Comment: This sequence change replaces threonine, which is neutral and polar, with methionine, which is neutral and non-polar, at codon 841 of the ALPK3 protein (p.Thr841Met). This variant is present in population databases (rs151054715, gnomAD 0.03%). This variant has not been reported in the literature in individuals affected with ALPK3-related conditions. ClinVar contains an entry for this variant (Variation ID: 1482382). Invitae Evidence Modeling of protein sequence and biophysical properties (such as structural, functional, and spatial information, amino acid conservation, physicochemical variation, residue mobility, and thermodynamic stability) indicates that this missense variant is not expected to disrupt ALPK3 protein function with a negative predictive value of 80%. In summary, the available evidence is currently insufficient to determine the role of this variant in disease. Therefore, it has been classified as a Variant of Uncertain Significance.

Ambry Genetics
Classification: Likely benign for Cardiovascular phenotype. Last evaluated: 2021-08-05. Review status: criteria provided, single submitter. Criteria: Ambry Variant Classification Scheme 2023. Collection method: clinical testing. Allele origin: germline.

NM_020778.5(ALPK3):c.1916C>T (p.Thr639Met)

Gene: ALPK3 (alpha kinase 3; plus strand). Cytogenetic location: 15q25.3.
Variant type: single nucleotide variant.
Coding change: c.1916C>T on transcript NM_020778.5 (MANE Select); coding-DNA position 1916, C replaced by T.
Protein change: p.Thr639Met; replaces threonine 639 with methionine.
Molecular consequence: missense variant.
Genome position (GRCh38, 1-based): chr15:84,856,654, C>T. VCF-style: chr15-84856654-C-T. GRCh37 (hg19) VCF-style: chr15-85399885-C-T.
Other names: short protein forms T639M.
Identifiers: ClinVar variation 1482382 (VCV001482382.8), dbSNP rs151054715, ClinGen allele CA7709315.